The following is an entry in ClinVar:

NM_005633.4(SOS1):c.1785G>C (p.Lys595Asn)

Gene: SOS1 (SOS Ras/Rac guanine nucleotide exchange factor 1; minus strand). Cytogenetic location: 2p22.1.
Variant type: single nucleotide variant.
Coding change: c.1785G>C on transcript NM_005633.4 (MANE Select); coding-DNA position 1785, G replaced by C.
Protein change: p.Lys595Asn; replaces lysine 595 with asparagine.
Molecular consequence: missense variant.
Genome position (GRCh38, 1-based): chr2:39,022,643, C>G on the plus strand (G>C on the coding strand, the complement: SOS1 is on the minus strand). VCF-style: chr2-39022643-C-G. GRCh37 (hg19) VCF-style: chr2-39249784-C-G.
Other names: c.1764G>C, p.Lys588Asn (NM_001382394.1); c.1785G>C, p.Lys595Asn (NM_001382395.1); short protein forms K588N, K595N.
Identifiers: ClinVar variation 4705826 (VCV004705826.1).

ClinVar aggregate classification (germline): Uncertain significance (1 of 4 stars; one submission).

Conditions:
RASopathy. Also called: rasopathies; Noonan spectrum disorder. Identifiers: Orphanet 536391, MedGen C5555857, MONDO:0021060.

gnomAD v4.1: 8 of 1,613,404 alleles (0.0005%); highest among the groups gnomAD compares: Admixed American, 0.0017%; no homozygotes.

Submission:

Labcorp Genetics (formerly Invitae), Labcorp
Classification: Uncertain significance for RASopathy. Last evaluated: 2025-06-29. Review status: criteria provided, single submitter. Criteria: Invitae Variant Classification Sherloc (09022015). Collection method: clinical testing. Allele origin: germline.
Comment: This sequence change replaces lysine, which is basic and polar, with asparagine, which is neutral and polar, at codon 595 of the SOS1 protein (p.Lys595Asn). This variant is not present in population databases (gnomAD no frequency). This variant has not been reported in the literature in individuals affected with SOS1-related conditions. Invitae Evidence Modeling of protein sequence and biophysical properties (such as structural, functional, and spatial information, amino acid conservation, physicochemical variation, residue mobility, and thermodynamic stability) indicates that this missense variant is not expected to disrupt SOS1 protein function with a negative predictive value of 95%. In summary, the available evidence is currently insufficient to determine the role of this variant in disease. Therefore, it has been classified as a Variant of Uncertain Significance.